The following is an entry in ClinVar:

NM_001148.6(ANK2):c.9673C>A (p.Leu3225Ile)

Gene: ANK2 (ankyrin 2; plus strand). Cytogenetic location: 4q26.
Variant type: single nucleotide variant.
Coding change: c.9673C>A on transcript NM_001148.6 (MANE Select); coding-DNA position 9673, C replaced by A.
Protein change: p.Leu3225Ile; replaces leucine 3225 with isoleucine.
Molecular consequence: missense variant. On other transcripts: intron variant (68).
Genome position (GRCh38, 1-based): chr4:113,358,291, C>A. VCF-style: chr4-113358291-C-A. GRCh37 (hg19) VCF-style: chr4-114279447-C-A.
Other names: c.9439C>A, p.Leu3147Ile (NM_001386142.1); c.6073C>A, p.Leu2025Ile (NM_001386166.1); c.9814C>A, p.Leu3272Ile (NM_001386174.1); c.9790C>A, p.Leu3264Ile (NM_001386175.1); c.4412-2532C>A (NM_001386186.2, NM_001386148.2); c.4214-2532C>A (NM_001354269.3); c.4292-2532C>A (NM_001386187.2); c.4253-2532C>A (NM_001386147.1); and 35 more; short protein forms L2025I, L3225I, L3147I, L3264I, L3272I.
Identifiers: ClinVar variation 1767746 (VCV001767746.9), dbSNP rs760621962, ClinGen allele CA3051960.

ClinVar aggregate classification (germline): Uncertain significance. Review status: criteria provided, multiple submitters, no conflicts (2 of 4 stars). 3 submissions from 3 submitters: Uncertain significance (3). Last evaluated 2025-08-18.

Conditions:
Cardiovascular phenotype. Identifiers: MedGen CN230736.
Long QT syndrome (LQTS). Identifiers: MedGen C0023976, MeSH D008133, MONDO:0002442. Disease mechanism: loss of function. Inheritance: Various modes of inheritance.

Allele frequency attached by ClinVar (database versions not stated): gnomAD 0.00001; gnomAD exomes 0.00001; ExAC 0.00002.
gnomAD v4.1: 4 of 1,613,406 alleles (0.00025%); highest among the groups gnomAD compares: Non-Finnish European, 0.00034%; no homozygotes.

Submissions (3):

GeneDx
Classification: Uncertain significance. Last evaluated: 2025-08-18. Review status: criteria provided, single submitter. Criteria: GeneDx Variant Classification Process June 2021. Collection method: clinical testing. Allele origin: germline.
Comment: Has not been previously published as pathogenic or benign to our knowledge; Not observed at significant frequency in large population cohorts (gnomAD); In silico analysis suggests that this missense variant does not alter protein structure/function

Labcorp Genetics (formerly Invitae), Labcorp
Classification: Uncertain significance for Long QT syndrome. Last evaluated: 2024-08-11. Review status: criteria provided, single submitter. Criteria: Invitae Variant Classification Sherloc (09022015). Collection method: clinical testing. Allele origin: germline.
Comment: This sequence change replaces leucine, which is neutral and non-polar, with isoleucine, which is neutral and non-polar, at codon 3225 of the ANK2 protein (p.Leu3225Ile). This variant is present in population databases (rs760621962, gnomAD 0.003%). This variant has not been reported in the literature in individuals affected with ANK2-related conditions. ClinVar contains an entry for this variant (Variation ID: 1767746). An algorithm developed to predict the effect of missense changes on protein structure and function (PolyPhen-2) suggests that this variant¬†is likely to be tolerated. In summary, the available evidence is currently insufficient to determine the role of this variant in disease. Therefore, it has been classified as a Variant of Uncertain Significance.

Ambry Genetics
Classification: Uncertain significance for Cardiovascular phenotype. Last evaluated: 2024-05-05. Review status: criteria provided, single submitter. Criteria: Ambry Variant Classification Scheme 2023. Collection method: clinical testing. Allele origin: germline.
Comment: The p.L3225I variant (also known as c.9673C>A), located in coding exon 38 of the ANK2 gene, results from a C to A substitution at nucleotide position 9673. The leucine at codon 3225 is replaced by isoleucine, an amino acid with highly similar properties. This amino acid position is conserved. In addition, this alteration is predicted to be tolerated by in silico analysis. Since supporting evidence is limited at this time, the clinical significance of this alteration remains unclear.